The following is an entry in ClinVar:

ClinVar aggregate classification (germline): Uncertain significance (1 of 4 stars; one submission).

Conditions:
Myopathy, centronuclear, 2 (CNM2). Also called: MYOTUBULAR MYOPATHY, AUTOSOMAL RECESSIVE. Identifiers: Orphanet 169186, MedGen CN031787, MONDO:0009709, OMIM 255200.

Allele frequency attached by ClinVar (database versions not stated): gnomAD 0.00001.

Submission:

Labcorp Genetics (formerly Invitae), Labcorp
Classification: Uncertain significance for Myopathy, centronuclear, 2. Last evaluated: 2022-08-30. Review status: criteria provided, single submitter. Criteria: Invitae Variant Classification Sherloc (09022015). Collection method: clinical testing. Allele origin: germline.
Comment: This sequence change replaces alanine, which is neutral and non-polar, with threonine, which is neutral and polar, at codon 283 of the BIN1 protein (p.Ala283Thr). This variant is not present in population databases (gnomAD no frequency). This variant has not been reported in the literature in individuals affected with BIN1-related conditions. Algorithms developed to predict the effect of missense changes on protein structure and function (SIFT, PolyPhen-2, Align-GVGD) all suggest that this variant is likely to be tolerated. In summary, the available evidence is currently insufficient to determine the role of this variant in disease. Therefore, it has been classified as a Variant of Uncertain Significance.

NM_139343.3(BIN1):c.847G>A (p.Ala283Thr)

Gene: BIN1 (bridging integrator 1; minus strand). Cytogenetic location: 2q14.3.
Variant type: single nucleotide variant.
Coding change: c.847G>A on transcript NM_139343.3 (MANE Select); coding-DNA position 847, G replaced by A.
Protein change: p.Ala283Thr; replaces alanine 283 with threonine.
Molecular consequence: missense variant.
Genome position (GRCh38, 1-based): chr2:127,062,125, C>T on the plus strand (G>A on the coding strand, the complement: BIN1 is on the minus strand). VCF-style: chr2-127062125-C-T. GRCh37 (hg19) VCF-style: chr2-127819701-C-T.
Other names: c.754G>A, p.Ala252Thr (NM_001320632.2, NM_001320641.2, NM_004305.4 and 6 more transcripts); c.847G>A, p.Ala283Thr (NM_001320633.2, NM_001320640.2, NM_139344.3 and 1 more transcripts); c.682G>A, p.Ala228Thr (NM_001320634.1); c.766G>A, p.Ala256Thr (NM_001320642.1); short protein forms A228T, A283T, A252T, A256T.
Identifiers: ClinVar variation 2161556 (VCV002161556.4), dbSNP rs1684579593, ClinGen allele CA348380966.